The following is an entry in ClinVar:

ClinVar aggregate classification (germline): Uncertain significance (1 of 4 stars; one submission).

gnomAD v4.1: 1 of 1,258,730 alleles (0.000079%); no homozygotes.

Submission:

Labcorp Genetics (formerly Invitae), Labcorp
Classification: Uncertain significance. Last evaluated: 2022-02-18. Review status: criteria provided, single submitter. Criteria: Invitae Variant Classification Sherloc (09022015). Collection method: clinical testing. Allele origin: germline.
Comment: In summary, the available evidence is currently insufficient to determine the role of this variant in disease. Therefore, it has been classified as a Variant of Uncertain Significance. Algorithms developed to predict the effect of missense changes on protein structure and function are either unavailable or do not agree on the potential impact of this missense change (SIFT: "Deleterious"; PolyPhen-2: "Possibly Damaging"; Align-GVGD: "Class C0"). This variant has not been reported in the literature in individuals affected with GATA5-related conditions. This variant is not present in population databases (gnomAD no frequency). This sequence change replaces glycine, which is neutral and non-polar, with arginine, which is basic and polar, at codon 109 of the GATA5 protein (p.Gly109Arg).

NM_080473.5(GATA5):c.325G>C (p.Gly109Arg)

Gene: GATA5 (GATA binding protein 5; minus strand). Cytogenetic location: 20q13.33.
Variant type: single nucleotide variant.
Coding change: c.325G>C on transcript NM_080473.5 (MANE Select); coding-DNA position 325, G replaced by C.
Protein change: p.Gly109Arg; replaces glycine 109 with arginine.
Molecular consequence: missense variant.
Genome position (GRCh38, 1-based): chr20:62,475,197, C>G on the plus strand (G>C on the coding strand, the complement: GATA5 is on the minus strand). VCF-style: chr20-62475197-C-G. GRCh37 (hg19) VCF-style: chr20-61050253-C-G.
Other names: short protein forms G109R.
Identifiers: ClinVar variation 2098550 (VCV002098550.4), dbSNP rs1555897007, ClinGen allele CA409556720.
Genomic context (GRCh38, chr20:62,475,197, plus strand): 5'-GGGCCGCGAACTGTTCTCGAGGCAACAGCGCGCCCTGGTAGGCACTGCCGTCTCGGCCCC[C>G]CGCGCTGCCGCCGCTGCCGGGCCCCGAGGGGCTGTGCGCGAAAGGGAAGGCGGTGGCCCC-3'
Protein context (NP_536721.1, residues 99-119): PSGPGSGGSA[Gly109Arg]GRDGSAYQGA